The following is an entry in ClinVar:

ClinVar aggregate classification (germline): Uncertain significance. Review status: criteria provided, multiple submitters, no conflicts (2 of 4 stars). 2 submissions from 2 submitters: Uncertain significance (2). Last evaluated 2025-06-07.

Conditions:
Inborn genetic diseases. Identifiers: MedGen C0950123, MeSH D030342.

Allele frequency attached by ClinVar (database versions not stated): ExAC 0.00001; gnomAD 0.00001.
gnomAD v4.1: 18 of 1,614,080 alleles (0.0011%); highest among the groups gnomAD compares: African/African-American, 0.0053%; no homozygotes.

Submissions (2):

Ambry Genetics
Classification: Uncertain significance for Inborn genetic diseases. Last evaluated: 2025-06-07. Review status: criteria provided, single submitter. Criteria: Ambry Variant Classification Scheme 2023. Collection method: clinical testing. Allele origin: germline.

Labcorp Genetics (formerly Invitae), Labcorp
Classification: Uncertain significance. Last evaluated: 2024-01-11. Review status: criteria provided, single submitter. Criteria: Invitae Variant Classification Sherloc (09022015). Collection method: clinical testing. Allele origin: germline.
Comment: This sequence change replaces valine, which is neutral and non-polar, with methionine, which is neutral and non-polar, at codon 429 of the LONP1 protein (p.Val429Met). This variant is present in population databases (rs369128618, gnomAD 0.003%). This variant has not been reported in the literature in individuals affected with LONP1-related conditions. Advanced modeling of protein sequence and biophysical properties (such as structural, functional, and spatial information, amino acid conservation, physicochemical variation, residue mobility, and thermodynamic stability) performed at Invitae indicates that this missense variant is not expected to disrupt LONP1 protein function with a negative predictive value of 80%. In summary, the available evidence is currently insufficient to determine the role of this variant in disease. Therefore, it has been classified as a Variant of Uncertain Significance.

NM_004793.4(LONP1):c.1285G>A (p.Val429Met)

Gene: LONP1 (lon peptidase 1, mitochondrial; minus strand). Cytogenetic location: 19p13.3.
Variant type: single nucleotide variant.
Coding change: c.1285G>A on transcript NM_004793.4 (MANE Select); coding-DNA position 1285, G replaced by A.
Protein change: p.Val429Met; replaces valine 429 with methionine.
Molecular consequence: missense variant. On other transcripts: non-coding transcript variant (1).
Genome position (GRCh38, 1-based): chr19:5,705,854, C>T on the plus strand (G>A on the coding strand, the complement: LONP1 is on the minus strand). VCF-style: chr19-5705854-C-T. GRCh37 (hg19) VCF-style: chr19-5705865-C-T.
Other names: c.1093G>A, p.Val365Met (NM_001276479.2); c.697G>A, p.Val233Met (NM_001276480.1); c.1285G>A (NM_004793.2); short protein forms V233M, V365M, V429M.
Identifiers: ClinVar variation 2965040 (VCV002965040.4), dbSNP rs369128618, ClinGen allele CA9114758.